The following is an entry in ClinVar:

ClinVar aggregate classification (germline): Uncertain significance. Review status: reviewed by expert panel (3 of 4 stars). 6 submissions from 6 submitters: Uncertain significance (1). 5 of the submissions do not count toward it. Last evaluated 2025-08-01.

Conditions:
RYR1-related disorder. Also called: RYR1-related disorders; RYR1-related condition. Identifiers: MedGen CN239331.
Malignant hyperthermia, susceptibility to, 1 (MHS1). Also called: Anesthesia related hyperthermia; Malignant hyperpyrexia; Fulminating hyperpyrexia; Pharmacogenic myopathy; RYR1-Related Malignant Hyperthermia Susceptibility; Malignant hyperthermia suceptibility 1. Identifiers: Orphanet 423, MedGen C2930980, MONDO:0007783, OMIM 145600.
Malignant hyperthermia of anesthesia. Also called: Anesthesic-triggered malignant hyperthermia. Identifiers: Orphanet 423, MedGen C0024591, MONDO:0018493, HP:0034733.

Allele frequency attached by ClinVar (database versions not stated): gnomAD 0.00001; gnomAD exomes 0.00001; TOPMed 0.00001.
gnomAD v4.1: 15 of 1,613,978 alleles (0.00093%); highest among the groups gnomAD compares: Non-Finnish European, 0.0012%; no homozygotes.

Submissions (6):

ClinGen Malignant Hyperthermia Susceptibility Variant Curation Expert Panel, ClinGen
Classification: Uncertain significance for Malignant hyperthermia of anesthesia. Last evaluated: 2025-08-01. Review status: reviewed by expert panel. Criteria: ClinGen MHS ACMG Specifications V2. Collection method: curation. Allele origin: germline. Inheritance: Autosomal dominant inheritance.
Comment: This pathogenicity assessment is relevant only for malignant hyperthermia susceptibility (MHS) inherited in an autosomal dominant pattern. Variants in RYR1 can also cause other myopathies inherited in an autosomal dominant pattern or in an autosomal recessive pattern. Some of these disorders may predispose individuals to malignant hyperthermia. RYR1 variants may also contribute to a malignant hyperthermia reaction in combination with other genetic and non-genetic factors and the clinician needs to consider such factors in making management decisions. This sequence variant predicts a substitution of valine with alanine at codon 518 of the RYR1 protein, p.(Val518Ala). The maximum allele frequency for this variant among the six major gnomAD populations is NFE: 0.0000649, a frequency consistent with pathogenicity for MHS. This variant has been reported in an individual with a personal or family history of an MH episode and a positive in vitro contracture test (IVCT) or caffeine halothane contracture test (CHCT) result (if the proband was unavailable for testing, a positive diagnostic test result in a mutation-positive relative was counted) (PMID:23558838). However, the high MAF in the NFE population in gnomAD precludes the use of PS4. No functional studies were identified for this variant. This variant resides in a region of RYR1 considered to be a hotspot for pathogenic variants that contribute to MHS, PM1 (PMID: 21118704). A REVEL score of 0.738 supports neither a pathogenic nor a benign status for this variant. This variant has been classified as a Variant of Unknown Significance. Criteria implemented: PM1.

Color Diagnostics, LLC DBA Color Health
Classification: Uncertain significance for Malignant hyperthermia, susceptibility to, 1. Last evaluated: 2025-05-28. Review status: criteria provided, single submitter. Criteria: ACMG Guidelines, 2015. Collection method: clinical testing. Allele origin: germline. Not counted in ClinVar's aggregate classification.
Comment: This missense variant replaces valine with alanine at codon 518 of the RYR1 protein. Computational prediction suggests that this variant may have deleterious impact on protein structure and function. Although functional studies have not been reported for this variant, it occurs in a region of RYR1 considered to be a hotspot for pathogenic variants that contribute to malignant hyperthermia susceptibility (PMID: 21118704). This variant has been reported in an individual affected with malignant hyperthermia susceptibility (PMID: 11873057, 23558838). This variant has been identified in 1/31346 chromosomes in the general population by the Genome Aggregation Database (gnomAD). The available evidence is insufficient to determine the role of this variant in disease conclusively. Therefore, this variant is classified as a Variant of Uncertain Significance.

GeneDx
Classification: Uncertain significance. Last evaluated: 2025-03-20. Review status: criteria provided, single submitter. Criteria: GeneDx Variant Classification Process June 2021. Collection method: clinical testing. Allele origin: germline. Affected: yes. Not counted in ClinVar's aggregate classification.
Comment: Reported previously in a patient with a possible malignant hyperthermia episode with rhabdomyolysis and an abnormal caffeine-halothane contracture test who also harbored a second RYR1 variant (PMID: 11873057, 25958340, 23558838); Not observed at significant frequency in large population cohorts (gnomAD); In silico analysis indicates that this missense variant does not alter protein structure/function; This variant is associated with the following publications: (PMID: 32236737, 33767344, 25958340, 23558838, 11873057)

All of Us Research Program, National Institutes of Health
Classification: Uncertain significance for Malignant hyperthermia, susceptibility to, 1. Last evaluated: 2023-10-02. Review status: criteria provided, single submitter. Criteria: ACMG Guidelines, 2015. Collection method: clinical testing. Allele origin: germline. Inheritance: Autosomal dominant inheritance. Observed: 4 variant alleles, 4 heterozygotes. Not counted in ClinVar's aggregate classification.
Comment: This missense variant replaces valine with alanine at codon 518 of the RYR1 protein. Computational prediction suggests that this variant may have deleterious impact on protein structure and function (internally defined REVEL score threshold >= 0.7, PMID: 27666373). Although functional studies have not been reported for this variant, it occurs in a region of RYR1 considered to be a hotspot for pathogenic variants that contribute to malignant hyperthermia susceptibility (PMID: 21118704). This variant has been reported in an individual affected with malignant hyperthermia susceptibility (PMID: 11873057, 23558838). This variant has been identified in 1/31346 chromosomes in the general population by the Genome Aggregation Database (gnomAD). The available evidence is insufficient to determine the role of this variant in disease conclusively. Therefore, this variant is classified as a Variant of Uncertain Significance.

This study involves interpretation of variants in research participants for the purpose of population health screening. Participant phenotype was not available at the time of variant classification. Additional details can be found in publication PMID: 35346344, PMCID: PMC8962531

Labcorp Genetics (formerly Invitae), Labcorp
Classification: Uncertain significance for RYR1-related disorder. Last evaluated: 2022-08-31. Review status: criteria provided, single submitter. Criteria: Invitae Variant Classification Sherloc (09022015). Collection method: clinical testing. Allele origin: germline. Not counted in ClinVar's aggregate classification.
Comment: This sequence change replaces valine, which is neutral and non-polar, with alanine, which is neutral and non-polar, at codon 518 of the RYR1 protein (p.Val518Ala). This variant is present in population databases (no rsID available, gnomAD 0.007%). This missense change has been observed in individual(s) with malignant hyperthermia susceptibility (PMID: 25958340). ClinVar contains an entry for this variant (Variation ID: 590482). Algorithms developed to predict the effect of missense changes on protein structure and function are either unavailable or do not agree on the potential impact of this missense change (SIFT: "Deleterious"; PolyPhen-2: "Possibly Damaging"; Align-GVGD: "Class C0"). In summary, the available evidence is currently insufficient to determine the role of this variant in disease. Therefore, it has been classified as a Variant of Uncertain Significance.

PreventionGenetics, part of Exact Sciences
Classification: Uncertain significance. Last evaluated: 2013-11-19. Review status: criteria provided, single submitter. Criteria: ACMG Guidelines, 2015. Collection method: clinical testing. Allele origin: germline. Not counted in ClinVar's aggregate classification.

Literature cited by the submitters: PubMed 11873057 (cited by Color Diagnostics, LLC DBA Color Health and All of Us Research Program, National Institutes of Health); PubMed 21118704 (cited by Color Diagnostics, LLC DBA Color Health and All of Us Research Program, National Institutes of Health); PubMed 23558838 (cited by Color Diagnostics, LLC DBA Color Health and All of Us Research Program, National Institutes of Health); PubMed 25958340 (cited by Labcorp Genetics (formerly Invitae), Labcorp).

NM_000540.3(RYR1):c.1553T>C (p.Val518Ala)

Genes: RYR1 (ryanodine receptor 1; plus strand), LOC129391106 (MPRA-validated peak3472 silencer; plus strand). Cytogenetic location: 19q13.2.
Variant type: single nucleotide variant.
Coding change: c.1553T>C on transcript NM_000540.3 (MANE Select); coding-DNA position 1553, T replaced by C.
Protein change: p.Val518Ala; replaces valine 518 with alanine.
Molecular consequence: missense variant.
Genome position (GRCh38, 1-based): chr19:38,455,347, T>C. VCF-style: chr19-38455347-T-C. GRCh37 (hg19) VCF-style: chr19-38945987-T-C.
Other names: c.1553T>C (NM_000540.2); c.1553T>C, p.Val518Ala (NM_001042723.2); short protein forms V518A.
Identifiers: ClinVar variation 590482 (VCV000590482.15), dbSNP rs1195513704, ClinGen allele CA405689274.